The following is an entry in ClinVar:

NM_000760.4(CSF3R):c.847G>T (p.Gly283Cys)

Gene: CSF3R (colony stimulating factor 3 receptor; minus strand). Cytogenetic location: 1p34.3.
Variant type: single nucleotide variant.
Coding change: c.847G>T on transcript NM_000760.4 (MANE Select); coding-DNA position 847, G replaced by T.
Protein change: p.Gly283Cys; replaces glycine 283 with cysteine.
Molecular consequence: missense variant.
Genome position (GRCh38, 1-based): chr1:36,472,388, C>A on the plus strand (G>T on the coding strand, the complement: CSF3R is on the minus strand). VCF-style: chr1-36472388-C-A. GRCh37 (hg19) VCF-style: chr1-36937989-C-A.
Other names: c.847G>T, p.Gly283Cys (NM_156039.3, NM_172313.3); short protein forms G283C.
Identifiers: ClinVar variation 4699114 (VCV004699114.1).
Genomic context (GRCh38, chr1:36,472,388, plus strand): 5'-AGGCCGTGGCTGGGAGGAGCCCGCAGAGCTCATACTGAAGGGCCTCCAAGGGGAGGGGGC[C>A]CACCTGGTGAGGGGTGGACAGGACTCTGAGCCTTGGATCGCTGGGCCATTCTAGGGCCAG-3'
Protein context (NP_000751.1, residues 273-293): QRGEASWALV[Gly283Cys]PLPLEALQYE

ClinVar aggregate classification (germline): Uncertain significance (1 of 4 stars; one submission).

Conditions:
Autosomal recessive severe congenital neutropenia due to CSF3R deficiency. Also called: Neutropenia, severe congenital, 7, autosomal recessive. Identifiers: Orphanet 420702, MedGen C4310764, MONDO:0014865, OMIM 617014.

Submission:

Labcorp Genetics (formerly Invitae), Labcorp
Classification: Uncertain significance for Autosomal recessive severe congenital neutropenia due to CSF3R deficiency. Last evaluated: 2025-02-06. Review status: criteria provided, single submitter. Criteria: Invitae Variant Classification Sherloc (09022015). Collection method: clinical testing. Allele origin: germline.
Comment: This sequence change replaces glycine, which is neutral and non-polar, with cysteine, which is neutral and slightly polar, at codon 283 of the CSF3R protein (p.Gly283Cys). This variant is not present in population databases (gnomAD no frequency). This variant has not been reported in the literature in individuals affected with CSF3R-related conditions. Invitae Evidence Modeling of protein sequence and biophysical properties (such as structural, functional, and spatial information, amino acid conservation, physicochemical variation, residue mobility, and thermodynamic stability) indicates that this missense variant is not expected to disrupt CSF3R protein function with a negative predictive value of 80%. In summary, the available evidence is currently insufficient to determine the role of this variant in disease. Therefore, it has been classified as a Variant of Uncertain Significance.